The following is an entry in ClinVar:

ClinVar aggregate classification (germline): Pathogenic. Review status: criteria provided, multiple submitters, no conflicts (2 of 4 stars). 2 submissions from 2 submitters: Pathogenic (2). Last evaluated 2024-05-18.

Conditions:
Early-infantile DEE. Also called: Ohtahara syndrome; Early infantile epileptic encephalopathy with suppression bursts; Early infantile epileptic encephalopathy. Identifiers: Orphanet 1934, MedGen C0393706, MONDO:0800491.

Submissions (2):

Labcorp Genetics (formerly Invitae), Labcorp
Classification: Pathogenic for Early-infantile DEE. Last evaluated: 2024-05-18. Review status: criteria provided, single submitter. Criteria: Invitae Variant Classification Sherloc (09022015). Collection method: clinical testing. Allele origin: germline.
Comment: This sequence change creates a premature translational stop signal (p.Ile1240Tyrfs*4) in the SCN1A gene. It is expected to result in an absent or disrupted protein product. Loss-of-function variants in SCN1A are known to be pathogenic (PMID: 17347258, 18930999). This variant is not present in population databases (gnomAD no frequency). This variant has not been reported in the literature in individuals affected with SCN1A-related conditions. ClinVar contains an entry for this variant (Variation ID: 871603). For these reasons, this variant has been classified as Pathogenic.

CeGaT Center for Human Genetics Tuebingen
Classification: Pathogenic. Last evaluated: 2019-08-01. Review status: criteria provided, single submitter. Criteria: CeGaT Center For Human Genetics Tuebingen Variant Classification Criteria Version 2. Collection method: clinical testing. Allele origin: germline. Affected: yes. Observed: 3 variant alleles.

Literature cited by the submitters: PubMed 17347258 (cited by Labcorp Genetics (formerly Invitae), Labcorp); PubMed 18930999 (cited by Labcorp Genetics (formerly Invitae), Labcorp).

NM_001165963.4(SCN1A):c.3717dup (p.Ile1240fs)

Genes: SCN1A (sodium voltage-gated channel alpha subunit 1; minus strand), LOC102724058 (uncharacterized LOC102724058; plus strand). Cytogenetic location: 2q24.3.
Variant type: Duplication.
Coding change: c.3717dup on transcript NM_001165963.4 (MANE Select); coding-DNA position 3717, one base duplicated (T; older notation c.3717dupT).
Protein change: p.Ile1240fs; shifts the reading frame from isoleucine 1240.
Molecular consequence: frameshift variant. On other transcripts: non-coding transcript variant (1).
Genome position (GRCh38, 1-based): chr2:166,012,271, A duplicated on the plus strand (T on the coding strand, the reverse complement: SCN1A is on the minus strand). VCF-style (leftmost placement, unchanged base first): chr2-166012270-T-TA. GRCh37 (hg19) VCF-style: chr2-166868780-T-TA.
Other names: c.3633dup, p.Ile1212fs (NM_001165964.3, NM_001353957.2, NM_001353958.2); c.3717dup, p.Ile1240fs (NM_001202435.3, NM_001353948.2); c.3684dup, p.Ile1229fs (NM_001353949.2, NM_001353950.2, NM_001353951.2 and 2 more transcripts); c.3681dup, p.Ile1228fs (NM_001353954.2, NM_001353955.2); c.3630dup, p.Ile1211fs (NM_001353960.2); c.1275dup, p.Ile426fs (NM_001353961.2); short protein forms I1240fs, I1228fs, I426fs, I1211fs, I1212fs, I1229fs.
Identifiers: ClinVar variation 871603 (VCV000871603.43), dbSNP rs1692581621, ClinGen allele CA1139657300.